The following is an entry in ClinVar:

ClinVar aggregate classification (germline): Uncertain significance (1 of 4 stars; one submission).

Conditions:
Short-rib thoracic dysplasia 14 with polydactyly (SRTD14). Identifiers: Orphanet 397715, MedGen C4225286, MONDO:0014688, OMIM 616546.
Joubert syndrome 23 (JBTS23). Identifiers: Orphanet 475, MedGen C4084822, MONDO:0014664, OMIM 616490.

gnomAD v4.1: 1 of 1,599,234 alleles (0.000063%); highest among the groups gnomAD compares: Non-Finnish European, 0.000086%; no homozygotes.

Submission:

Labcorp Genetics (formerly Invitae), Labcorp
Classification: Uncertain significance for Joubert syndrome 23; Short-rib thoracic dysplasia 14 with polydactyly. Last evaluated: 2021-11-02. Review status: criteria provided, single submitter. Criteria: Invitae Variant Classification Sherloc (09022015). Collection method: clinical testing. Allele origin: germline.
Comment: This sequence change replaces leucine, which is neutral and non-polar, with valine, which is neutral and non-polar, at codon 93 of the KIAA0586 protein (p.Leu93Val). This variant is not present in population databases (gnomAD no frequency). This variant has not been reported in the literature in individuals affected with KIAA0586-related conditions. Algorithms developed to predict the effect of missense changes on protein structure and function (SIFT, PolyPhen-2, Align-GVGD) all suggest that this variant is likely to be tolerated. In summary, the available evidence is currently insufficient to determine the role of this variant in disease. Therefore, it has been classified as a Variant of Uncertain Significance.

NM_001329943.3(KIAA0586):c.241C>G (p.Leu81Val)

Gene: KIAA0586 (KIAA0586; plus strand). Cytogenetic location: 14q23.1.
Variant type: single nucleotide variant.
Coding change: c.241C>G on transcript NM_001329943.3 (MANE Select); coding-DNA position 241, C replaced by G.
Protein change: p.Leu81Val; replaces leucine 81 with valine.
Molecular consequence: missense variant. On other transcripts: 5 prime UTR variant (5).
Genome position (GRCh38, 1-based): chr14:58,429,404, C>G. VCF-style: chr14-58429404-C-G. GRCh37 (hg19) VCF-style: chr14-58896122-C-G.
Other names: c.277C>G, p.Leu93Val (NM_001244189.2); c.196C>G, p.Leu66Val (NM_001244190.2); c.-15C>G (NM_001244191.2, NM_001244192.2, NM_001329945.2 and 2 more transcripts); c.241C>G, p.Leu81Val (NM_001329944.2, NM_001329946.2, NM_001329947.2 and 1 more transcripts); short protein forms L66V, L93V, L81V.
Identifiers: ClinVar variation 1515286 (VCV001515286.6), dbSNP rs2140391234, ClinGen allele CA389859432.